The following is an entry in ClinVar:

ClinVar aggregate classification (germline): Likely benign. Review status: criteria provided, multiple submitters, no conflicts (2 of 4 stars). 3 submissions from 3 submitters: Likely benign (3). Last evaluated 2025-07-31.

Conditions:
Cerebral arteriopathy, autosomal dominant, with subcortical infarcts and leukoencephalopathy, type 1 (CADASIL1). Also called: DEMENTIA, HEREDITARY MULTIINFARCT TYPE; CADASIL 1; CASIL; Cerebral arteriopathy with subcortical infarcts and leukoencephalopathy 1. Identifiers: Orphanet 136, MedGen C4551768, MONDO:0000914, OMIM 125310.

Allele frequency attached by ClinVar (database versions not stated): ExAC 0.00007; gnomAD exomes 0.00015; ESP Exome Variant Server 0.00038.
gnomAD v4.1: 242 of 1,373,090 alleles (0.018%); highest among the groups gnomAD compares: Admixed American, 0.02%; no homozygotes.

Submissions (3):

Labcorp Genetics (formerly Invitae), Labcorp
Classification: Likely benign. Last evaluated: 2025-07-31. Review status: criteria provided, single submitter. Criteria: Invitae Variant Classification Sherloc (09022015). Collection method: clinical testing. Allele origin: germline.

Athena Diagnostics
Classification: Likely benign. Last evaluated: 2025-06-17. Review status: criteria provided, single submitter. Criteria: Athena Diagnostics Criteria. Collection method: clinical testing. Allele origin: unknown.
Comment: The frequency of this variant in the general population is higher than would generally be expected for pathogenic variants in this gene.

Blueprint Genetics
Classification: Likely benign. Last evaluated: 2024-11-20. Review status: criteria provided, single submitter. Criteria: ACMG Guidelines, 2015. Collection method: clinical testing. Allele origin: germline.

Literature cited by the submitters: PubMed 25604251 (cited by Athena Diagnostics); PubMed 19369672 (cited by Athena Diagnostics); PubMed 20038773 (cited by Athena Diagnostics); PubMed 29801872 (cited by Athena Diagnostics); PubMed 33007923 (cited by Athena Diagnostics).

NM_000435.3(NOTCH3):c.181C>T (p.Arg61Trp)

Gene: NOTCH3 (notch receptor 3; minus strand). Cytogenetic location: 19p13.12.
Variant type: single nucleotide variant.
Coding change: c.181C>T on transcript NM_000435.3 (MANE Select); coding-DNA position 181, C replaced by T.
Protein change: p.Arg61Trp; replaces arginine 61 with tryptophan.
Molecular consequence: missense variant.
Genome position (GRCh38, 1-based): chr19:15,197,516, G>A on the plus strand (C>T on the coding strand, the complement: NOTCH3 is on the minus strand). VCF-style: chr19-15197516-G-A. GRCh37 (hg19) VCF-style: chr19-15308327-G-A.
Other names: short protein forms R61W.
Identifiers: ClinVar variation 1256494 (VCV001256494.12), dbSNP rs200595885, ClinGen allele CA9263976.